The following is an entry in ClinVar:

ClinVar aggregate classification (germline): Uncertain significance (1 of 4 stars; one submission).

Conditions:
Arrhythmogenic cardiomyopathy with wooly hair and keratoderma. Also called: Carvajal syndrome; PALMOPLANTAR KERATODERMA WITH LEFT VENTRICULAR CARDIOMYOPATHY AND WOOLLY HAIR; Dilated cardiomyopathy with woolly hair and keratoderma; Arrhythmogenic cardiomyopathy with woolly hair and keratoderma. Identifiers: Orphanet 65282, MedGen C1854063, MONDO:0011581, OMIM 605676.

Submission:

All of Us Research Program, National Institutes of Health
Classification: Uncertain significance for Arrhythmogenic cardiomyopathy with wooly hair and keratoderma. Last evaluated: 2024-07-20. Review status: criteria provided, single submitter. Criteria: ACMG Guidelines, 2015. Collection method: clinical testing. Allele origin: germline. Inheritance: Autosomal dominant inheritance. Observed: 1 variant allele, 1 heterozygote.
Comment: This missense variant replaces lysine with asparagine at codon 301 of the DSP protein. Computational prediction suggests that this variant may not impact protein structure and function (internally defined REVEL score threshold <= 0.5, PMID: 27666373). To our knowledge, functional studies have not been reported for this variant. This variant has not been reported in individuals affected with DSP-related disorders in the literature. This variant has not been identified in the general population by the Genome Aggregation Database (gnomAD). The available evidence is insufficient to determine the role of this variant in disease conclusively. Therefore, this variant is classified as a Variant of Uncertain Significance.

This study involves interpretation of variants in research participants for the purpose of population health screening. Participant phenotype was not available at the time of variant classification. Additional details can be found in publication PMID: 35346344, PMCID: PMC8962531

NM_004415.4(DSP):c.903G>C (p.Lys301Asn)

Gene: DSP (desmoplakin; plus strand). Cytogenetic location: 6p24.3.
Variant type: single nucleotide variant.
Coding change: c.903G>C on transcript NM_004415.4 (MANE Select); coding-DNA position 903, G replaced by C.
Protein change: p.Lys301Asn; replaces lysine 301 with asparagine.
Molecular consequence: missense variant.
Genome position (GRCh38, 1-based): chr6:7,565,484, G>C. VCF-style: chr6-7565484-G-C. GRCh37 (hg19) VCF-style: chr6-7565717-G-C.
Other names: c.903G>C, p.Lys301Asn (NM_001008844.3, NM_001319034.2, NM_001406591.1); short protein forms K301N.
Identifiers: ClinVar variation 3386621 (VCV003386621.1).